The following is an entry in ClinVar:

NM_000548.5(TSC2):c.4006-1G>C

Gene: TSC2 (TSC complex subunit 2; plus strand). Cytogenetic location: 16p13.3.
Variant type: single nucleotide variant.
Coding change: c.4006-1G>C on transcript NM_000548.5 (MANE Select); the canonical splice acceptor site of the intron before coding-DNA position 4006, G replaced by C.
Molecular consequence: splice acceptor variant.
Genome position (GRCh38, 1-based): chr16:2,084,227, G>C. VCF-style: chr16-2084227-G-C. GRCh37 (hg19) VCF-style: chr16-2134228-G-C.
Other names: c.2203-1G>C (NM_001406698.1); c.3937-1G>C (NM_001114382.3); c.4003-1G>C (NM_001406663.1); c.3934-1G>C (NM_001406664.1); c.3877-1G>C (NM_021055.3, NM_001370405.1); c.3808-1G>C (NM_001363528.2); c.3928-1G>C (NM_001406665.1); c.3874-1G>C (NM_001370404.1); and 26 more.
Identifiers: ClinVar variation 805698 (VCV000805698.4), dbSNP rs1085307853, ClinGen allele CA394299111.
Genomic context (GRCh38, chr16:2,084,227, plus strand): 5'-ACCCCAGGTGGGCTCGAGGGTGCCTGCTGACAGGGGTTCTCTTTGGGATGGTCCTTTCTA[G>C]TCGTCCTCAGTCTCCAGCCAGGAGGAGAAGTCGCTCCACGCGGAGGAGCTGGTTGGCAGG-3'

ClinVar aggregate classification (germline): Pathogenic/Likely pathogenic. Review status: criteria provided, multiple submitters, no conflicts (2 of 4 stars). 3 submissions from 3 submitters: Pathogenic (1); Likely pathogenic (2). Last evaluated 2025-10-03.

Conditions:
Tuberous sclerosis 2 (TSC2). Identifiers: Orphanet 805, MedGen C1860707, MONDO:0013199, OMIM 613254.

Submissions (3):

Kasturba Medical College, Manipal, Kasturba Medical College, Manipal, Manipal Academy of Higher Education, Manipal, India
Classification: Pathogenic for Tuberous sclerosis 2. Last evaluated: 2025-10-03. Review status: criteria provided, single submitter. Criteria: ACMG Guidelines, 2015. Collection method: research. Allele origin: paternal. Inheritance: Autosomal dominant inheritance. Affected: yes. Observed: 1 heterozygote.
Comment: The variant is absent in gnomAD (v4.1.0) and our in-house database of 3326 exomes. This variant has not been reported in the literature in individuals affected with TSC2-related conditions but is reported in the ClinVar database as likely pathogenic by 2 submitters (Accession ID: VCV000805698.2). This canonical splice-site variant affects an acceptor splice site in intron 33 of TSC2 and is likely to result in aberrant splicing leading to either formation of a truncated protein product or the transcript to undergo nonsense mediated mRNA decay.

Labcorp Genetics (formerly Invitae), Labcorp
Classification: Likely pathogenic for Tuberous sclerosis 2. Last evaluated: 2023-10-18. Review status: criteria provided, single submitter. Criteria: Invitae Variant Classification Sherloc (09022015). Collection method: clinical testing. Allele origin: germline.
Comment: This sequence change affects an acceptor splice site in intron 33 of the TSC2 gene. It is expected to disrupt RNA splicing. Variants that disrupt the donor or acceptor splice site typically lead to a loss of protein function (PMID: 16199547), and loss-of-function variants in TSC2 are known to be pathogenic (PMID: 10205261, 17304050). This variant is not present in population databases (gnomAD no frequency). This variant has not been reported in the literature in individuals affected with TSC2-related conditions. ClinVar contains an entry for this variant (Variation ID: 805698). Algorithms developed to predict the effect of sequence changes on RNA splicing suggest that this variant may disrupt the consensus splice site. In summary, the currently available evidence indicates that the variant is pathogenic, but additional data are needed to prove that conclusively. Therefore, this variant has been classified as Likely Pathogenic.

Athena Diagnostics
Classification: Likely pathogenic. Last evaluated: 2019-07-17. Review status: criteria provided, single submitter. Criteria: Athena Diagnostics Criteria. Collection method: clinical testing. Allele origin: germline.
Comment: The variant disrupts a canonical splice site, and is therefore predicted to result in the loss of a functional protein. Not found in the total gnomAD dataset, and the data is high quality (0/220866 chr).

Literature cited by the submitters: PubMed 16199547 (cited by Labcorp Genetics (formerly Invitae), Labcorp); PubMed 10205261 (cited by Labcorp Genetics (formerly Invitae), Labcorp); PubMed 17304050 (cited by Labcorp Genetics (formerly Invitae), Labcorp).